The following is an entry in ClinVar:

ClinVar aggregate classification (germline): Uncertain significance. Review status: criteria provided, multiple submitters, no conflicts (2 of 4 stars). 2 submissions from 2 submitters: Uncertain significance (2). Last evaluated 2017-08-10.

Conditions:
Mitochondrial DNA depletion syndrome 13. Also called: FBXL4-Related Encephalomyopathic Mitochondrial DNA Depletion Syndrome; Mitochondrial DNA depletion syndrome 13 (encephalomyopathic type). Identifiers: Orphanet 369897, MedGen C3809592, MONDO:0014198, OMIM 615471.

Allele frequency attached by ClinVar (database versions not stated): gnomAD below 0.00001 and 0.00001; gnomAD exomes below 0.00001 and 0.00002; ExAC 0.00002; 1000 Genomes Project 30x 0.00016; 1000 Genomes Project 0.00020.
gnomAD v4.1: 6 of 1,612,846 alleles (0.00037%); highest among the groups gnomAD compares: South Asian, 0.0066%; no homozygotes.

Submissions (2):

Wong Mito Lab, Molecular and Human Genetics, Baylor College of Medicine
Classification: Uncertain significance for Mitochondrial DNA depletion syndrome 13. Last evaluated: 2017-08-10. Review status: criteria provided, single submitter. Criteria: ACMG Guidelines, 2015. Collection method: reference population. Allele origin: germline.
Comment: The NM_012160.4:c.913C>G (NP_036292.2:p.Gln305Glu) [GRCH38: NC_000006.12:g.98905616G>C] variant in FBXL4 gene is interpretated to be a Uncertain Significance - Insufficient Evidence based on ACMG guidelines (PMID: 25741868). This variant meets one or more of the following evidence codes reported in the ACMG-guideline. PM2:This variant is absent in key population databases. Based on this evidence code ClinGen Pathogenicity Calculator (PMID:28081714) suggested that the variant is Uncertain Significance - Insufficient Evidence.

Neuberg Centre For Genomic Medicine, NCGM
Classification: Uncertain significance for Mitochondrial DNA depletion syndrome 13. Review status: criteria provided, single submitter. Criteria: ACMG Guidelines, 2015. Collection method: clinical testing. Allele origin: germline. Inheritance: Autosomal recessive inheritance. Affected: yes.
Comment: The observed missense c.913C>G (p.Gln305Glu) variant in FBXL4 gene has not been reported previously as a pathogenic variant nor as a benign variant, to our knowledge. The p.Gln305Glu variant is reported with allele frequency of 0.002% in gnomAD Exomes. This variant has been submitted to the ClinVar database as Uncertain Significance. The amino acid change p.Gln305Glu in FBXL4 is predicted as conserved by GERP++ and PhyloP across 100 vertebrates. The amino acid Gln at position 305 is changed to a Glu changing protein sequence and it might alter its composition and physico-chemical properties. For these reasons, this variant has been classified as a Variant of Uncertain Significance (VUS).

NM_001278716.2(FBXL4):c.913C>G (p.Gln305Glu)

Gene: FBXL4 (F-box and leucine rich repeat protein 4; minus strand). Cytogenetic location: 6q16.2.
Variant type: single nucleotide variant.
Coding change: c.913C>G on transcript NM_001278716.2 (MANE Select); coding-DNA position 913, C replaced by G.
Protein change: p.Gln305Glu; replaces glutamine 305 with glutamic acid.
Molecular consequence: missense variant. On other transcripts: non-coding transcript variant (2).
Genome position (GRCh38, 1-based): chr6:98,905,616, G>C on the plus strand (C>G on the coding strand, the complement: FBXL4 is on the minus strand). VCF-style: chr6-98905616-G-C. GRCh37 (hg19) VCF-style: chr6-99353492-G-C.
Other names: c.913C>G, p.Gln305Glu (NM_012160.5); short protein forms Q305E.
Identifiers: ClinVar variation 437655 (VCV000437655.2), dbSNP rs571805954, ClinGen allele CA3933584.